The following is an entry in ClinVar:

ClinVar aggregate classification (germline): Uncertain significance. Review status: criteria provided, multiple submitters, no conflicts (2 of 4 stars). 3 submissions from 3 submitters: Uncertain significance (3). Last evaluated 2025-12-10.

Conditions:
Emery-Dreifuss muscular dystrophy (EDMD). Also called: Scapuloperoneal syndrome, X-linked (formerly); Humeroperoneal neuromuscular disease, (formerly). Identifiers: Orphanet 261, MedGen C0410189, MONDO:0016830.

Allele frequency attached by ClinVar (database versions not stated): ExAC 0.00002; gnomAD exomes 0.00003 and 0.00005; gnomAD 0.00005 and 0.00006; TOPMed 0.00006.
gnomAD v4.1: 78 of 1,613,664 alleles (0.0048%); highest among the groups gnomAD compares: South Asian, 0.012%; no homozygotes.

Submissions (3):

Labcorp Genetics (formerly Invitae), Labcorp
Classification: Uncertain significance for Emery-Dreifuss muscular dystrophy. Last evaluated: 2025-12-10. Review status: criteria provided, single submitter. Criteria: Invitae Variant Classification Sherloc (09022015). Collection method: clinical testing. Allele origin: germline.
Comment: This sequence change replaces arginine, which is basic and polar, with histidine, which is basic and polar, at codon 434 of the SUN1 protein (p.Arg434His). This variant is present in population databases (rs776823974, gnomAD 0.02%). This variant has not been reported in the literature in individuals affected with SUN1-related conditions. ClinVar contains an entry for this variant (Variation ID: 1350181). An algorithm developed to predict the effect of missense changes on protein structure and function (PolyPhen-2) suggests that this variant is likely to be disruptive. In summary, the available evidence is currently insufficient to determine the role of this variant in disease. Therefore, it has been classified as a Variant of Uncertain Significance.

Ambry Genetics
Classification: Uncertain significance. Last evaluated: 2025-08-21. Review status: criteria provided, single submitter. Criteria: Ambry Variant Classification Scheme 2023. Collection method: clinical testing. Allele origin: germline.

Breakthrough Genomics
Classification: Uncertain significance. Review status: criteria provided, single submitter. Criteria: ACMG Guidelines, 2015. Collection method: not provided. Allele origin: germline. Inheritance: Unknown mechanism. Affected: yes.

NM_001130965.3(SUN1):c.1301G>A (p.Arg434His)

Gene: SUN1 (Sad1 and UNC84 domain containing 1; plus strand). Cytogenetic location: 7p22.3.
Variant type: single nucleotide variant.
Coding change: c.1301G>A on transcript NM_001130965.3 (MANE Select); coding-DNA position 1301, G replaced by A.
Protein change: p.Arg434His; replaces arginine 434 with histidine.
Molecular consequence: missense variant. On other transcripts: non-coding transcript variant (3).
Genome position (GRCh38, 1-based): chr7:854,957, G>A. VCF-style: chr7-854957-G-A. GRCh37 (hg19) VCF-style: chr7-894594-G-A.
Other names: c.1298G>A, p.Arg433His (NM_001367694.1, NM_001367665.1); c.1223G>A, p.Arg408His (NM_001367695.1); c.1379G>A, p.Arg460His (NM_001367696.1); c.1496G>A, p.Arg499His (NM_001367697.1, NM_001367693.1); c.1580G>A, p.Arg527His (NM_001367698.1); c.1493G>A, p.Arg498His (NM_001367643.1); c.1232G>A, p.Arg411His (NM_001367644.1); c.1262G>A, p.Arg421His (NM_001367645.1, NM_001367667.1, NM_001367689.1); and 44 more; short protein forms R281H, R351H, R378H, R383H, R384H, R443H, R460H, R484H.
Identifiers: ClinVar variation 1350181 (VCV001350181.10), dbSNP rs776823974, ClinGen allele CA4112154.